The following is an entry in ClinVar:

ClinVar aggregate classification (germline): Conflicting classifications of pathogenicity. Review status: criteria provided, conflicting classifications (1 of 4 stars). 3 submissions from 3 submitters: Uncertain significance (2); Likely benign (1). Last evaluated 2025-11-26.

Conditions:
Inborn genetic diseases. Identifiers: MedGen C0950123, MeSH D030342.

Allele frequency attached by ClinVar (database versions not stated): ExAC 0.00001; gnomAD 0.00001; ESP Exome Variant Server 0.00015.
gnomAD v4.1: 15 of 1,609,022 alleles (0.00093%); highest among the groups gnomAD compares: Admixed American, 0.0067%; no homozygotes.

Submissions (3):

Ambry Genetics
Classification: Likely benign for Inborn genetic diseases. Last evaluated: 2025-11-26. Review status: criteria provided, single submitter. Criteria: Ambry Variant Classification Scheme 2023. Collection method: clinical testing. Allele origin: germline.

GeneDx
Classification: Uncertain significance. Last evaluated: 2025-06-02. Review status: criteria provided, single submitter. Criteria: GeneDx Variant Classification Process June 2021. Collection method: clinical testing. Allele origin: germline. Affected: yes.
Comment: Not observed at significant frequency in large population cohorts (gnomAD); In silico analysis suggests that this missense variant does not alter protein structure/function; Has not been previously published as pathogenic or benign to our knowledge

Women's Health and Genetics/Laboratory Corporation of America, LabCorp
Classification: Uncertain significance. Last evaluated: 2023-10-27. Review status: criteria provided, single submitter. Criteria: LabCorp Variant Classification Summary - May 2015. Collection method: clinical testing. Allele origin: germline.
Comment: Variant summary: WDR62 c.3811G>A (p.Ala1271Thr) results in a non-conservative amino acid change in the encoded protein sequence. Four of five in-silico tools predict a benign effect of the variant on protein function. The variant allele was found at a frequency of 8e-06 in 248576 control chromosomes (gnomAD). The available data on variant occurrences in the general population are insufficient to allow any conclusion about variant significance. To our knowledge, no occurrence of c.3811G>A in individuals affected with Primary microcephaly and no experimental evidence demonstrating its impact on protein function have been reported. No submitters have cited clinical-significance assessments for this variant to ClinVar after 2014. Based on the evidence outlined above, the variant was classified as uncertain significance.

NM_001083961.2(WDR62):c.3811G>A (p.Ala1271Thr)

Gene: WDR62 (WD repeat domain 62; plus strand). Cytogenetic location: 19q13.12.
Variant type: single nucleotide variant.
Coding change: c.3811G>A on transcript NM_001083961.2 (MANE Select); coding-DNA position 3811, G replaced by A.
Protein change: p.Ala1271Thr; replaces alanine 1271 with threonine.
Molecular consequence: missense variant.
Genome position (GRCh38, 1-based): chr19:36,103,639, G>A. VCF-style: chr19-36103639-G-A. GRCh37 (hg19) VCF-style: chr19-36594541-G-A.
Other names: c.3796G>A, p.Ala1266Thr (NM_001411145.1, NM_173636.5); c.3562G>A, p.Ala1188Thr (NM_001411146.1); c.3460G>A, p.Ala1154Thr (NM_001411147.1); c.3811G>A (NM_001083961.1); short protein forms A1154T, A1188T, A1266T, A1271T.
Identifiers: ClinVar variation 2637517 (VCV002637517.3), dbSNP rs150624399, ClinGen allele CA9396397.